The following is an entry in ClinVar:

NM_012268.4(PLD3):c.535G>A (p.Ala179Thr)

Gene: PLD3 (phospholipase D family member 3; plus strand). Cytogenetic location: 19q13.2.
Variant type: single nucleotide variant.
Coding change: c.535G>A on transcript NM_012268.4 (MANE Select); coding-DNA position 535, G replaced by A.
Protein change: p.Ala179Thr; replaces alanine 179 with threonine.
Molecular consequence: missense variant.
Genome position (GRCh38, 1-based): chr19:40,370,013, G>A. VCF-style: chr19-40370013-G-A. GRCh37 (hg19) VCF-style: chr19-40875920-G-A.
Other names: c.535G>A, p.Ala179Thr (NM_001031696.4, NM_001291311.2); short protein forms A179T.
Identifiers: ClinVar variation 4781813 (VCV004781813.1).

ClinVar aggregate classification (germline): Uncertain significance (1 of 4 stars; one submission).

gnomAD v4.1: 2 of 1,561,788 alleles (0.00013%); highest among the groups gnomAD compares: African/African-American, 0.0014%; no homozygotes.

Submission:

Labcorp Genetics (formerly Invitae), Labcorp
Classification: Uncertain significance. Last evaluated: 2025-10-22. Review status: criteria provided, single submitter. Criteria: Invitae Variant Classification Sherloc (09022015). Collection method: clinical testing. Allele origin: germline.
Comment: This sequence change replaces alanine, which is neutral and non-polar, with threonine, which is neutral and polar, at codon 179 of the PLD3 protein (p.Ala179Thr). This variant is not present in population databases (gnomAD no frequency). This variant has not been reported in the literature in individuals affected with PLD3-related conditions. An algorithm developed to predict the effect of missense changes on protein structure and function outputs the following: PolyPhen-2: "Benign". The threonine amino acid residue is found in multiple mammalian species, which suggests that this missense change does not adversely affect protein function. In summary, the available evidence is currently insufficient to determine the role of this variant in disease. Therefore, it has been classified as a Variant of Uncertain Significance.